The following is an entry in ClinVar:

NM_002427.4(MMP13):c.604G>A (p.Asp202Asn)

Gene: MMP13 (matrix metallopeptidase 13; minus strand). Cytogenetic location: 11q22.2.
Variant type: single nucleotide variant.
Coding change: c.604G>A on transcript NM_002427.4 (MANE Select); coding-DNA position 604, G replaced by A.
Protein change: p.Asp202Asn; replaces aspartic acid 202 with asparagine.
Molecular consequence: missense variant.
Genome position (GRCh38, 1-based): chr11:102,954,189, C>T on the plus strand (G>A on the coding strand, the complement: MMP13 is on the minus strand). VCF-style: chr11-102954189-C-T. GRCh37 (hg19) VCF-style: chr11-102824918-C-T.
Other names: short protein forms D202N.
Identifiers: ClinVar variation 2118589 (VCV002118589.4), dbSNP rs763075525, ClinGen allele CA382230324.
Genomic context (GRCh38, chr11:102,954,189, plus strand): 5'-AAATGATATCTTTATAAGAAACATTACCTTTGGAACTACTTGTCCAGGTTTCATCATCAT[C>T]AAAATGGGCATCTCCTCCATAATTTGGCCCAGGAGGAAAAGCATGAGCCAGCAGGCCAGA-3'
Protein context (NP_002418.1, residues 192-212): GPNYGGDAHF[Asp202Asn]DDETWTSSSK

ClinVar aggregate classification (germline): Uncertain significance (1 of 4 stars; one submission).

Submission:

Labcorp Genetics (formerly Invitae), Labcorp
Classification: Uncertain significance. Last evaluated: 2022-05-10. Review status: criteria provided, single submitter. Criteria: Invitae Variant Classification Sherloc (09022015). Collection method: clinical testing. Allele origin: germline.
Comment: This sequence change replaces aspartic acid, which is acidic and polar, with asparagine, which is neutral and polar, at codon 202 of the MMP13 protein (p.Asp202Asn). This variant is not present in population databases (gnomAD no frequency). This missense change has been observed in individual(s) with MMP13-related conditions (Invitae). In at least one individual the data is consistent with being in trans (on the opposite chromosome) from a pathogenic variant. Algorithms developed to predict the effect of missense changes on protein structure and function are either unavailable or do not agree on the potential impact of this missense change (SIFT: "Deleterious"; PolyPhen-2: "Probably Damaging"; Align-GVGD: "Class C15"). In summary, the available evidence is currently insufficient to determine the role of this variant in disease. Therefore, it has been classified as a Variant of Uncertain Significance.